The following is an entry in ClinVar:

ClinVar aggregate classification (germline): Likely benign. Review status: criteria provided, multiple submitters, no conflicts (2 of 4 stars). 2 submissions from 2 submitters: Likely benign (2). Last evaluated 2025-09-13.

Conditions:
KCNV2-related disorder. Also called: KCNV2-related condition.

Allele frequency attached by ClinVar (database versions not stated): gnomAD exomes below 0.00001; gnomAD 0.00003 and 0.00004; TOPMed 0.00004.
gnomAD v4.1: 21 of 1,603,480 alleles (0.0013%); highest among the groups gnomAD compares: East Asian, 0.0067%; no homozygotes.

Submissions (2):

PreventionGenetics, part of Exact Sciences
Classification: Likely benign for KCNV2-related condition. Last evaluated: 2025-09-13. Review status: criteria provided, single submitter. Criteria: ACMG Guidelines, 2015. Collection method: clinical testing. Allele origin: germline.
Comment: This variant is classified as likely benign based on ACMG/AMP sequence variant interpretation guidelines (Richards et al. 2015 PMID: 25741868, with internal and published modifications).

Labcorp Genetics (formerly Invitae), Labcorp
Classification: Likely benign. Last evaluated: 2025-07-28. Review status: criteria provided, single submitter. Criteria: Invitae Variant Classification Sherloc (09022015). Collection method: clinical testing. Allele origin: germline.

NM_133497.4(KCNV2):c.594C>T (p.Cys198=)

Gene: KCNV2 (potassium voltage-gated channel modifier subfamily V member 2; plus strand). Cytogenetic location: 9p24.2.
Variant type: single nucleotide variant.
Coding change: c.594C>T on transcript NM_133497.4 (MANE Select); coding-DNA position 594, C replaced by T.
Protein change: p.Cys198=; no amino-acid change (cysteine 198 retained).
Molecular consequence: synonymous variant.
Genome position (GRCh38, 1-based): chr9:2,718,333, C>T. VCF-style: chr9-2718333-C-T. GRCh37 (hg19) VCF-style: chr9-2718333-C-T.
Other names: c.594C>T (NM_133497.3).
Identifiers: ClinVar variation 1146221 (VCV001146221.10), dbSNP rs1049754393, ClinGen allele CA187972154.